The following is an entry in ClinVar:

NM_000245.4(MET):c.1285T>A (p.Leu429Ile)

Gene: MET (MET proto-oncogene, receptor tyrosine kinase; plus strand). Cytogenetic location: 7q31.2.
Variant type: single nucleotide variant.
Coding change: c.1285T>A on transcript NM_000245.4 (MANE Select); coding-DNA position 1285, T replaced by A.
Protein change: p.Leu429Ile; replaces leucine 429 with isoleucine.
Molecular consequence: missense variant. On other transcripts: 5 prime UTR variant (1).
Genome position (GRCh38, 1-based): chr7:116,731,752, T>A. VCF-style: chr7-116731752-T-A. GRCh37 (hg19) VCF-style: chr7-116371806-T-A.
Other names: c.1285T>A, p.Leu429Ile (NM_001127500.3, NM_001324401.3); c.-6T>A (NM_001324402.2); short protein forms L429I.
Identifiers: ClinVar variation 411885 (VCV000411885.20), dbSNP rs911380470, ClinGen allele CA16612250.

ClinVar aggregate classification (germline): Uncertain significance. Review status: criteria provided, multiple submitters, no conflicts (2 of 4 stars). 4 submissions from 4 submitters: Uncertain significance (4). Last evaluated 2025-03-04.

Conditions:
Osteofibrous dysplasia (OSFD). Also called: Tibia, bowing of, with pseudarthrosis and pectus excavatum. Identifiers: Orphanet 488265, MedGen C4085248, MONDO:0011806, OMIM 607278.
Hepatocellular carcinoma (HCC). Also called: Primary carcinoma of liver; HEPATOMA; LIVER CELL CARCINOMA. Identifiers: Orphanet 88673, MedGen C2239176, MONDO:0007256, OMIM 114550, HP:0001402.
Autosomal recessive nonsyndromic hearing loss 97. Also called: Deafness, autosomal recessive 97. Identifiers: Orphanet 90636, MedGen C4084709, MONDO:0014739, OMIM 616705.
Arthrogryposis, distal, IIa 11. Also called: Arthrogryposis, distal, type 11. Identifiers: MedGen C5774205, MONDO:0031045, OMIM 620019.
Papillary renal cell carcinoma type 1 (RCCP1). Also called: RENAL CELL CARCINOMA, PAPILLARY, 1, SOMATIC; Renal adenocarcinoma; Renal cell carcinoma 1; Renal cell carcinoma, somatic. Identifiers: Orphanet 47044, MedGen C1336839, OMIM 605074, HP:0011797.
Renal cell carcinoma. Identifiers: Orphanet 217071, MedGen C0007134, MeSH D002292, MONDO:0005086, HP:0005584.
Hereditary cancer-predisposing syndrome. Also called: Tumor predisposition; Hereditary Cancer Syndrome; Hereditary neoplastic syndrome; Neoplastic Syndromes, Hereditary. Identifiers: Orphanet 140162, MedGen C0027672, MeSH D009386, MONDO:0015356.

Allele frequency attached by ClinVar (database versions not stated): gnomAD exomes below 0.00001.
gnomAD v4.1: 10 of 1,614,150 alleles (0.00062%); highest among the groups gnomAD compares: Non-Finnish European, 0.00051%; no homozygotes.

Submissions (4):

Center for Genomic Medicine, Rigshospitalet, Copenhagen University Hospital
Classification: Uncertain significance. Last evaluated: 2025-03-04. Review status: criteria provided, single submitter. Criteria: ACMG Guidelines, 2015. Collection method: clinical testing. Allele origin: germline.

Fulgent Genetics
Classification: Uncertain significance for Hepatocellular carcinoma; Papillary renal cell carcinoma type 1; Osteofibrous dysplasia; Autosomal recessive nonsyndromic hearing loss 97; Arthrogryposis, distal, IIa 11. Last evaluated: 2024-05-23. Review status: criteria provided, single submitter. Criteria: ACMG Guidelines, 2015. Collection method: clinical testing. Allele origin: germline.

Labcorp Genetics (formerly Invitae), Labcorp
Classification: Uncertain significance for Renal cell carcinoma. Last evaluated: 2024-05-13. Review status: criteria provided, single submitter. Criteria: Invitae Variant Classification Sherloc (09022015). Collection method: clinical testing. Allele origin: germline.
Comment: This sequence change replaces leucine, which is neutral and non-polar, with isoleucine, which is neutral and non-polar, at codon 429 of the MET protein (p.Leu429Ile). This variant is present in population databases (no rsID available, gnomAD 0.0009%). This variant has not been reported in the literature in individuals affected with MET-related conditions. ClinVar contains an entry for this variant (Variation ID: 411885). Advanced modeling of protein sequence and biophysical properties (such as structural, functional, and spatial information, amino acid conservation, physicochemical variation, residue mobility, and thermodynamic stability) performed at Invitae indicates that this missense variant is not expected to disrupt MET protein function with a negative predictive value of 80%. In summary, the available evidence is currently insufficient to determine the role of this variant in disease. Therefore, it has been classified as a Variant of Uncertain Significance.

Ambry Genetics
Classification: Uncertain significance for Hereditary cancer-predisposing syndrome. Last evaluated: 2024-05-06. Review status: criteria provided, single submitter. Criteria: Ambry Variant Classification Scheme 2023. Collection method: clinical testing. Allele origin: germline.
Comment: The p.L429I variant (also known as c.1285T>A), located in coding exon 2 of the MET gene, results from a T to A substitution at nucleotide position 1285. The leucine at codon 429 is replaced by isoleucine, an amino acid with highly similar properties. This amino acid position is highly conserved in available vertebrate species. In addition, this alteration is predicted to be tolerated by in silico analysis. Since supporting evidence is limited at this time, the clinical significance of this alteration remains unclear.